The following is an entry in ClinVar:

ClinVar aggregate classification (germline): Benign/Likely benign. Review status: criteria provided, multiple submitters, no conflicts (2 of 4 stars). 2 submissions from 2 submitters: Benign (1); Likely benign (1). Last evaluated 2022-08-01.

Allele frequency attached by ClinVar (database versions not stated): 1000 Genomes Project 30x 0.00031; 1000 Genomes Project 0.00040; TOPMed 0.00191; gnomAD exomes 0.00200; ExAC 0.00210; gnomAD 0.00219 and 0.00229; ESP Exome Variant Server 0.00292.
gnomAD v4.1: 4,658 of 1,610,986 alleles (0.29%); highest among the groups gnomAD compares: Non-Finnish European, 0.36%; 11 homozygotes.

Submissions (2):

CeGaT Center for Human Genetics Tuebingen
Classification: Likely benign. Last evaluated: 2022-08-01. Review status: criteria provided, single submitter. Criteria: CeGaT Center For Human Genetics Tuebingen Variant Classification Criteria Version 2. Collection method: clinical testing. Allele origin: germline. Affected: yes. Observed: 2 variant alleles.
Comment: PIAS4: BP4, BP7

Labcorp Genetics (formerly Invitae), Labcorp
Classification: Benign. Last evaluated: 2018-11-14. Review status: criteria provided, single submitter. Criteria: Invitae Variant Classification Sherloc (09022015). Collection method: clinical testing. Allele origin: germline.

NM_015897.4(PIAS4):c.954C>T (p.Thr318=)

Gene: PIAS4 (protein inhibitor of activated STAT 4; plus strand). Cytogenetic location: 19p13.3.
Variant type: single nucleotide variant.
Coding change: c.954C>T on transcript NM_015897.4 (MANE Select); coding-DNA position 954, C replaced by T.
Protein change: p.Thr318=; no amino-acid change (threonine 318 retained).
Molecular consequence: synonymous variant.
Genome position (GRCh38, 1-based): chr19:4,033,146, C>T. VCF-style: chr19-4033146-C-T. GRCh37 (hg19) VCF-style: chr19-4033144-C-T.
Identifiers: ClinVar variation 771033 (VCV000771033.27), dbSNP rs61729791, ClinGen allele CA9090026.